The following is an entry in ClinVar:

NM_004817.4(TJP2):c.2653G>A (p.Val885Ile)

Gene: TJP2 (tight junction protein 2; plus strand). Cytogenetic location: 9q21.11.
Variant type: single nucleotide variant.
Coding change: c.2653G>A on transcript NM_004817.4 (MANE Select); coding-DNA position 2653, G replaced by A.
Protein change: p.Val885Ile; replaces valine 885 with isoleucine.
Molecular consequence: missense variant.
Genome position (GRCh38, 1-based): chr9:69,246,776, G>A. VCF-style: chr9-69246776-G-A. GRCh37 (hg19) VCF-style: chr9-71861692-G-A.
Other names: c.2584G>A, p.Val862Ile (NM_001170414.2, NM_001369871.1); c.2665G>A, p.Val889Ile (NM_001170415.1, NM_001369874.1, NM_001369875.1); c.2746G>A, p.Val916Ile (NM_001170416.2); c.2578G>A, p.Val860Ile (NM_001369870.1); c.2653G>A, p.Val885Ile (NM_001369872.1, NM_001369873.1, NM_201629.3); short protein forms V916I, V885I, V889I, V860I, V862I.
Identifiers: ClinVar variation 2042022 (VCV002042022.4), dbSNP rs969931070, ClinGen allele CA193381473.
Genomic context (GRCh38, chr9:69,246,776, plus strand): 5'-GATAGCTGGTTTGGCAGCTTAAAGGACACTATTCAGCATCAGCAAGGAGAAGCGGTTTGG[G>A]TCTCTGAAGGAAAGGTATGTGGCATAGATATGCTGCTATGAGGTGAGAGTCCCTGTTCTG-3'
Protein context (NP_004808.2, residues 875-895): IQHQQGEAVW[Val885Ile]SEGKMEGMDD

ClinVar aggregate classification (germline): Uncertain significance (1 of 4 stars; one submission).

Allele frequency attached by ClinVar (database versions not stated): gnomAD 0.00001; TOPMed 0.00001; gnomAD exomes 0.00002.
gnomAD v4.1: 27 of 1,613,982 alleles (0.0017%); highest among the groups gnomAD compares: Non-Finnish European, 0.0023%; no homozygotes.

Submission:

Labcorp Genetics (formerly Invitae), Labcorp
Classification: Uncertain significance. Last evaluated: 2021-12-28. Review status: criteria provided, single submitter. Criteria: Invitae Variant Classification Sherloc (09022015). Collection method: clinical testing. Allele origin: germline.
Comment: This variant has not been reported in the literature in individuals affected with TJP2-related conditions. Algorithms developed to predict the effect of missense changes on protein structure and function are either unavailable or do not agree on the potential impact of this missense change (SIFT: "Tolerated"; PolyPhen-2: "Probably Damaging"; Align-GVGD: "Class C0"). In summary, the available evidence is currently insufficient to determine the role of this variant in disease. Therefore, it has been classified as a Variant of Uncertain Significance. This variant is present in population databases (no rsID available, gnomAD 0.002%). This sequence change replaces valine, which is neutral and non-polar, with isoleucine, which is neutral and non-polar, at codon 885 of the TJP2 protein (p.Val885Ile).